The following is an entry in ClinVar:

NM_001082486.2(ACD):c.1331A>C (p.His444Pro)

Gene: ACD (ACD shelterin complex subunit and telomerase recruitment factor; minus strand). Cytogenetic location: 16q22.1.
Variant type: single nucleotide variant.
Coding change: c.1331A>C on transcript NM_001082486.2 (MANE Select); coding-DNA position 1331, A replaced by C.
Protein change: p.His444Pro; replaces histidine 444 with proline.
Molecular consequence: missense variant.
Genome position (GRCh38, 1-based): chr16:67,657,652, T>G on the plus strand (A>C on the coding strand, the complement: ACD is on the minus strand). VCF-style: chr16-67657652-T-G. GRCh37 (hg19) VCF-style: chr16-67691555-T-G.
Other names: c.1244A>C, p.His415Pro (NM_001410884.1); c.1322A>C, p.His441Pro (NM_022914.3); short protein forms H415P, H444P, H441P.
Identifiers: ClinVar variation 1775856 (VCV001775856.2), dbSNP rs1215364797, ClinGen allele CA396349648.

ClinVar aggregate classification (germline): Uncertain significance (1 of 4 stars; one submission).

Conditions:
Inborn genetic diseases. Identifiers: MedGen C0950123, MeSH D030342.

gnomAD v4.1: 1 of 1,614,100 alleles (0.000062%); highest among the groups gnomAD compares: Non-Finnish European, 0.000085%; no homozygotes.

Submission:

Ambry Genetics
Classification: Uncertain significance for Inborn genetic diseases. Last evaluated: 2022-02-12. Review status: criteria provided, single submitter. Criteria: Ambry Variant Classification Scheme 2023. Collection method: clinical testing. Allele origin: germline.
Comment: The p.H530P variant (also known as c.1589A>C), located in coding exon 12 of the ACD gene, results from an A to C substitution at nucleotide position 1589. The histidine at codon 530 is replaced by proline, an amino acid with similar properties. This amino acid position is conserved. In addition, this alteration is predicted to be tolerated by in silico analysis. Since supporting evidence is limited at this time, the clinical significance of this alteration remains unclear.